The following is an entry in ClinVar:

NM_020778.5(ALPK3):c.423G>A (p.Arg141=)

Gene: ALPK3 (alpha kinase 3; plus strand). Cytogenetic location: 15q25.3.
Variant type: single nucleotide variant.
Coding change: c.423G>A on transcript NM_020778.5 (MANE Select); coding-DNA position 423, G replaced by A.
Protein change: p.Arg141=; no amino-acid change (arginine 141 retained).
Molecular consequence: synonymous variant.
Genome position (GRCh38, 1-based): chr15:84,839,702, G>A. VCF-style: chr15-84839702-G-A. GRCh37 (hg19) VCF-style: chr15-85382933-G-A.
Identifiers: ClinVar variation 3674572 (VCV003674572.2).

ClinVar aggregate classification (germline): Uncertain significance (1 of 4 stars; one submission).

gnomAD v4.1: 18 of 1,598,466 alleles (0.0011%); highest among the groups gnomAD compares: East Asian, 0.038%; no homozygotes.

Submission:

Labcorp Genetics (formerly Invitae), Labcorp
Classification: Uncertain significance. Last evaluated: 2025-09-17. Review status: criteria provided, single submitter. Criteria: Invitae Variant Classification Sherloc (09022015). Collection method: clinical testing. Allele origin: germline.
Comment: This sequence change affects codon 343 of the ALPK3 mRNA. It is a 'silent' change, meaning that it does not change the encoded amino acid sequence of the ALPK3 protein. It affects a nucleotide within the consensus splice site. This variant is present in population databases (rs757945939, gnomAD 0.005%). This variant has not been reported in the literature in individuals affected with ALPK3-related conditions. ClinVar contains an entry for this variant (Variation ID: 3674572). Algorithms developed to predict the effect of sequence changes on RNA splicing suggest that this variant is not likely to affect RNA splicing. In summary, the available evidence is currently insufficient to determine the role of this variant in disease. Therefore, it has been classified as a Variant of Uncertain Significance.